The following is an entry in ClinVar:

ClinVar aggregate classification (germline): Pathogenic. Review status: criteria provided, multiple submitters, no conflicts (2 of 4 stars). 2 submissions from 2 submitters: Pathogenic (2). Last evaluated 2025-09-23.

Conditions:
RPGR-related disorder. Also called: RPGR-related condition.

Submissions (2):

GeneDx
Classification: Pathogenic. Last evaluated: 2025-09-23. Review status: criteria provided, single submitter. Criteria: GeneDx Variant Classification Process June 2021. Collection method: clinical testing. Allele origin: germline. Affected: yes.
Comment: Identified in the heterozygous state in an individual with retinitis pigmentosa (PMID: 37510321); Nonsense variant predicted to result in protein truncation or nonsense mediated decay in a gene for which loss of function is a known mechanism of disease; Not observed at significant frequency in large population cohorts (gnomAD); This variant is associated with the following publications: (PMID: 37510321)

Blueprint Genetics
Classification: Pathogenic for RPGR-related disorders. Last evaluated: 2023-09-12. Review status: criteria provided, single submitter. Criteria: ACMG Guidelines, 2015. Collection method: clinical testing. Allele origin: germline. Affected: yes. Observed: 4 variant alleles.

NM_001034853.2(RPGR):c.2641G>T (p.Glu881Ter)

Gene: RPGR (retinitis pigmentosa GTPase regulator; minus strand). Cytogenetic location: Xp11.4.
Variant type: single nucleotide variant.
Coding change: c.2641G>T on transcript NM_001034853.2 (MANE Select); coding-DNA position 2641, G replaced by T.
Protein change: p.Glu881Ter; replaces glutamic acid 881 with a stop codon.
Molecular consequence: nonsense. On other transcripts: intron variant (8).
Genome position (GRCh38, 1-based): chrX:38,286,358, C>A on the plus strand (G>T on the coding strand, the complement: RPGR is on the minus strand). VCF-style: chrX-38286358-C-A. GRCh37 (hg19) VCF-style: chrX-38145611-C-A.
Other names: c.1569+4601G>T (NM_001367249.1, NM_001367250.1); c.1902+736G>T (NM_001367245.1); c.1386+4601G>T (NM_001367251.1); c.1719+736G>T (NM_001367246.1); c.1572+4601G>T (NM_001367247.1); c.1905+736G>T (NM_000328.3); c.1602+4601G>T (NM_001367248.1); short protein forms E881*.
Identifiers: ClinVar variation 620382 (VCV000620382.4), dbSNP rs1569236609, ClinGen allele CA412730148.